The following is an entry in ClinVar:

GRCh37/hg19 12q23.1(chr12:100146001-100272737)x1

Gene: ANKS1B (ankyrin repeat and sterile alpha motif domain containing 1B; minus strand). Cytogenetic location: 12q23.1.
Variant type: copy number loss.
Change: copy number 1 (one copy instead of two) of chr12:100,146,001-100,272,737 (126.7 kb, GRCh37 coordinates, 1-based), cytogenetic band 12q23.1.
Identifiers: ClinVar variation 1710516 (VCV001710516.3).

ClinVar aggregate classification (germline): Uncertain significance (1 of 4 stars; one submission).

Submission:

Illumina Laboratory Services, Illumina
Classification: Uncertain significance. Last evaluated: 2022-01-24. Review status: criteria provided, single submitter. Criteria: ICSL CNVClassificationCriteria Aug2020. Collection method: clinical testing. Allele origin: unknown.
Comment: This CNV is a 127 kb deletion of 12q23.1 on chromosome 12, (seq[GRCh37]del(12)(q23.1); chr12:g.100146001_100272737del) which is inherited. This CNV constitutes a loss including exons 2-8 of the ANKS1B gene, with breakpoints located in the intronic regions flanking exons 2 and 8. At least three patients have been identified with similar ANKS1B microdeletions, and several additional patients have larger microdeletions that include additional exons (Carbonell et al. 2019). This CNV has not been reported in the Genome Aggregation Database (gnomAD SVs v2.1), however a similar deletion affecting exons 2-8 of the ANKS1B gene is found in one individual in the Database of Genomic Variants (MacDonald et al. 2014). Based on the available evidence, this CNV is classified as a variant of uncertain significance.

Literature cited by the submitters: PubMed 24174537; PubMed 31388001.